The following is an entry in ClinVar:

NM_000313.4(PROS1):c.800G>C (p.Cys267Ser)

Gene: PROS1 (protein S; minus strand). Cytogenetic location: 3q11.1.
Variant type: single nucleotide variant.
Coding change: c.800G>C on transcript NM_000313.4 (MANE Select); coding-DNA position 800, G replaced by C.
Protein change: p.Cys267Ser; replaces cysteine 267 with serine.
Molecular consequence: missense variant.
Genome position (GRCh38, 1-based): chr3:93,898,497, C>G on the plus strand (G>C on the coding strand, the complement: PROS1 is on the minus strand). VCF-style: chr3-93898497-C-G. GRCh37 (hg19) VCF-style: chr3-93617341-C-G.
Other names: p.Cys267Ser; c.896G>C, p.Cys299Ser (NM_001314077.2); short protein forms C267S, C299S.
Identifiers: ClinVar variation 3380975 (VCV003380975.2).

ClinVar aggregate classification (germline): Conflicting classifications of pathogenicity. Review status: criteria provided, conflicting classifications (1 of 4 stars). 2 submissions from 2 submitters: Pathogenic (1); Uncertain significance (1). Last evaluated 2025-10-29.

Conditions:
Thrombophilia due to protein S deficiency, autosomal recessive (THPH6). Identifiers: Orphanet 743, MedGen C3281092, MONDO:0013791, OMIM 614514. Disease mechanism: loss of function.

Submissions (2):

Labcorp Genetics (formerly Invitae), Labcorp
Classification: Uncertain significance for Thrombophilia due to protein S deficiency, autosomal recessive. Last evaluated: 2025-10-29. Review status: criteria provided, single submitter. Criteria: Invitae Variant Classification Sherloc (09022015). Collection method: clinical testing. Allele origin: germline.
Comment: This sequence change replaces cysteine, which is neutral and slightly polar, with serine, which is neutral and polar, at codon 267 of the PROS1 protein (p.Cys267Ser). This variant is not present in population databases (gnomAD no frequency). This missense change has been observed in individual(s) with protein S deficiency (PMID: 15712227). ClinVar contains an entry for this variant (Variation ID: 3380975). Invitae Evidence Modeling of protein sequence and biophysical properties (such as structural, functional, and spatial information, amino acid conservation, physicochemical variation, residue mobility, and thermodynamic stability) indicates that this missense variant is expected to disrupt PROS1 protein function with a positive predictive value of 80%. Experimental studies have shown that this missense change affects PROS1 function (PMID: 15712227). In summary, the available evidence is currently insufficient to determine the role of this variant in disease. Therefore, it has been classified as a Variant of Uncertain Significance.

Mayo Clinic Laboratories, Mayo Clinic
Classification: Pathogenic. Last evaluated: 2023-11-14. Review status: criteria provided, single submitter. Criteria: ACMG Guidelines, 2015. Collection method: clinical testing. Allele origin: germline. Observed: 1 variant allele.
Comment: PP3, PM1, PM2_moderate, PS3, PS4_moderate

Literature cited by the submitters: PubMed 15712227 (cited by Labcorp Genetics (formerly Invitae), Labcorp and Mayo Clinic Laboratories, Mayo Clinic).